The following is an entry in ClinVar:

ClinVar aggregate classification (germline): Uncertain significance (1 of 4 stars; one submission).

Conditions:
Familial cold autoinflammatory syndrome 2 (FCAS2). Identifiers: Orphanet 247868, MedGen C2673198, MONDO:0012724, OMIM 611762.

gnomAD v4.1: 19 of 1,613,802 alleles (0.0012%); highest among the groups gnomAD compares: Admixed American, 0.0017%; no homozygotes.

Submission:

Labcorp Genetics (formerly Invitae), Labcorp
Classification: Uncertain significance for Familial cold autoinflammatory syndrome 2. Last evaluated: 2025-04-12. Review status: criteria provided, single submitter. Criteria: Invitae Variant Classification Sherloc (09022015). Collection method: clinical testing. Allele origin: germline.
Comment: This sequence change replaces asparagine, which is neutral and polar, with threonine, which is neutral and polar, at codon 942 of the NLRP12 protein (p.Asn942Thr). This variant is present in population databases (no rsID available, gnomAD 0.003%). This variant has not been reported in the literature in individuals affected with NLRP12-related conditions. An algorithm developed to predict the effect of missense changes on protein structure and function (PolyPhen-2) suggests that this variant is likely to be tolerated. In summary, the available evidence is currently insufficient to determine the role of this variant in disease. Therefore, it has been classified as a Variant of Uncertain Significance.

NM_144687.4(NLRP12):c.2825A>C (p.Asn942Thr)

Gene: NLRP12 (NLR family pyrin domain containing 12; minus strand). Cytogenetic location: 19q13.42.
Variant type: single nucleotide variant.
Coding change: c.2825A>C on transcript NM_144687.4 (MANE Select); coding-DNA position 2825, A replaced by C.
Protein change: p.Asn942Thr; replaces asparagine 942 with threonine.
Molecular consequence: missense variant. On other transcripts: intron variant (1).
Genome position (GRCh38, 1-based): chr19:53,798,345, T>G on the plus strand (A>C on the coding strand, the complement: NLRP12 is on the minus strand). VCF-style: chr19-53798345-T-G. GRCh37 (hg19) VCF-style: chr19-54301599-T-G.
Other names: c.2828A>C, p.Asn943Thr (NM_001277126.2); c.2757-2316A>C (NM_001277129.1); short protein forms N943T, N942T.
Identifiers: ClinVar variation 4741588 (VCV004741588.1).